The following is an entry in ClinVar:

ClinVar aggregate classification (germline): Pathogenic. Review status: criteria provided, multiple submitters, no conflicts (2 of 4 stars). 6 submissions from 6 submitters: Pathogenic (6). Last evaluated 2025-07-07.

Conditions:
Hereditary cancer-predisposing syndrome. Also called: Hereditary neoplastic syndrome; Neoplastic Syndromes, Hereditary; Tumor predisposition; Hereditary Cancer Syndrome. Identifiers: Orphanet 140162, MedGen C0027672, MeSH D009386, MONDO:0015356.
Birt-Hogg-Dube syndrome. Also called: Birt Hogg Dubé syndrome. Identifiers: Orphanet 122, MedGen C0346010, MONDO:0800444.

Submissions (6):

Ambry Genetics
Classification: Pathogenic for Hereditary cancer-predisposing syndrome. Last evaluated: 2025-07-07. Review status: criteria provided, single submitter. Criteria: Ambry Variant Classification Scheme 2023. Collection method: clinical testing. Allele origin: germline.
Comment: The c.1021delC pathogenic mutation, located in coding exon 6 of the FLCN gene, results from a deletion of one nucleotide at nucleotide position 1021, causing a translational frameshift with a predicted alternate stop codon (p.R341Gfs*12). This mutation (designated as c.1473delC) was reported in a patient with multiple fibrofolliculomas (Schmidt LS et al. Am. J. Hum. Genet., 2005 Jun;76:1023-33). This variant is considered to be rare based on population cohorts in the Genome Aggregation Database (gnomAD) This alteration is expected to result in loss of function by premature protein truncation or nonsense-mediated mRNA decay. As such, this alteration is interpreted as a disease-causing mutation.

Labcorp Genetics (formerly Invitae), Labcorp
Classification: Pathogenic for Birt-Hogg-Dube syndrome. Last evaluated: 2025-07-07. Review status: criteria provided, single submitter. Criteria: Invitae Variant Classification Sherloc (09022015). Collection method: clinical testing. Allele origin: germline.
Comment: This sequence change creates a premature translational stop signal (p.Arg341Glyfs*12) in the FLCN gene. It is expected to result in an absent or disrupted protein product. Loss-of-function variants in FLCN are known to be pathogenic (PMID: 15852235). This variant is not present in population databases (gnomAD no frequency). This premature translational stop signal has been observed in individual(s) with symptoms of Birt-Hogg-Dube syndrome (PMID: 15852235; internal data). This variant is also known as c.1473delC. ClinVar contains an entry for this variant (Variation ID: 409378). For these reasons, this variant has been classified as Pathogenic.

Mayo Clinic Laboratories, Mayo Clinic
Classification: Pathogenic. Last evaluated: 2025-05-01. Review status: criteria provided, single submitter. Criteria: ACMG Guidelines, 2015. Collection method: clinical testing. Allele origin: germline. Observed: 2 variant alleles.
Comment: PP4, PM2_supporting, PVS1

GeneDx
Classification: Pathogenic. Last evaluated: 2025-04-20. Review status: criteria provided, single submitter. Criteria: GeneDx Variant Classification Process June 2021. Collection method: clinical testing. Allele origin: germline. Affected: yes.
Comment: Frameshift variant predicted to result in protein truncation or nonsense mediated decay in a gene for which loss of function is a known mechanism of disease; Not observed at significant frequency in large population cohorts (gnomAD); This variant is associated with the following publications: (PMID: 29357828, 21937013, 19802896, 15852235, 35941667, 30476936)

Myriad Genetics, Inc.
Classification: Pathogenic for Birt-Hogg-Dube syndrome 1. Last evaluated: 2023-03-14. Review status: criteria provided, single submitter. Criteria: Myriad Autosomal Dominant, Autosomal Recessive and X-Linked Classification Criteria (2023). Collection method: clinical testing. Allele origin: unknown.
Comment: This variant is considered pathogenic. This variant creates a frameshift predicted to result in premature protein truncation.

Genetics and Molecular Pathology, SA Pathology
Classification: Pathogenic for Birt-Hogg-Dube syndrome. Last evaluated: 2020-02-07. Review status: criteria provided, single submitter. Criteria: ACMG Guidelines, 2015. Collection method: clinical testing. Allele origin: germline. Affected: yes.

Literature cited by the submitters: PubMed 15852235 (cited by 3 submitters).

NM_144997.7(FLCN):c.1021del (p.Arg341fs)

Gene: FLCN (folliculin; minus strand). Cytogenetic location: 17p11.2.
Variant type: Deletion.
Coding change: c.1021del on transcript NM_144997.7 (MANE Select); coding-DNA position 1021, one base deleted (C; older notation c.1021delC).
Protein change: p.Arg341fs; shifts the reading frame from arginine 341.
Molecular consequence: frameshift variant.
Genome position (GRCh38, 1-based): chr17:17,219,060, G deleted on the plus strand (C on the coding strand, the reverse complement: FLCN is on the minus strand); the first of 4 consecutive G bases (chr17:17,219,060-17,219,063); deleting any one gives the same sequence. VCF-style (leftmost placement, unchanged base first): chr17-17219059-CG-C. GRCh37 (hg19) VCF-style: chr17-17122373-CG-C.
Other names: p.Arg341Glyfs*12; c.1021del (LRG_325t1, NM_144997.5); c.1075del, p.Arg359fs (NM_001353229.2); c.1021del, p.Arg341fs (NM_001353230.2, NM_001353231.2); c.1021delC (NM_144997.6); short protein forms R359fs, R341fs.
Identifiers: ClinVar variation 409378 (VCV000409378.20), dbSNP rs1060502368, ClinGen allele CA16615368.
Genomic context (GRCh38, chr17:17,219,059, plus strand): 5'-GCTGTGCCCCTGCCGCCTACCTGCCTCATGTGCCGGAGGGACTTGAAGACTGGCAGCTTC[CG>C]GGGCTGCCAGCTCCCACAGCCTGAGAGAGAGGAGGACTCTGCCGGGCCCTGGGTCAGCTC-3'